The following is an entry in ClinVar:

ClinVar aggregate classification (germline): Uncertain significance. Review status: criteria provided, multiple submitters, no conflicts (2 of 4 stars). 2 submissions from 2 submitters: Uncertain significance (2). Last evaluated 2024-11-07.

Conditions:
Hereditary cancer-predisposing syndrome. Also called: Tumor predisposition; Hereditary Cancer Syndrome; Hereditary neoplastic syndrome; Neoplastic Syndromes, Hereditary. Identifiers: Orphanet 140162, MedGen C0027672, MeSH D009386, MONDO:0015356.

gnomAD v4.1: 1 of 1,613,890 alleles (0.000062%); highest among the groups gnomAD compares: African/African-American, 0.0013%; no homozygotes.

Submissions (2):

GeneDx
Classification: Uncertain significance. Last evaluated: 2024-11-07. Review status: criteria provided, single submitter. Criteria: GeneDx Variant Classification Process June 2021. Collection method: clinical testing. Allele origin: germline. Affected: yes.
Comment: Has not been previously published as pathogenic or benign to our knowledge; Not observed at significant frequency in large population cohorts (gnomAD); In silico analysis indicates that this missense variant does not alter protein structure/function

Ambry Genetics
Classification: Uncertain significance for Hereditary cancer-predisposing syndrome. Last evaluated: 2024-04-16. Review status: criteria provided, single submitter. Criteria: Ambry Variant Classification Scheme 2023. Collection method: clinical testing. Allele origin: germline.
Comment: The p.M338V variant (also known as c.1012A>G), located in coding exon 4 of the ALK gene, results from an A to G substitution at nucleotide position 1012. The methionine at codon 338 is replaced by valine, an amino acid with highly similar properties. This amino acid position is conserved. In addition, this alteration is predicted to be tolerated by in silico analysis. Based on the available evidence, the clinical significance of this variant remains unclear.

NM_004304.5(ALK):c.1012A>G (p.Met338Val)

Gene: ALK (ALK receptor tyrosine kinase; minus strand). Cytogenetic location: 2p23.2.
Variant type: single nucleotide variant.
Coding change: c.1012A>G on transcript NM_004304.5 (MANE Select); coding-DNA position 1012, A replaced by G.
Protein change: p.Met338Val; replaces methionine 338 with valine.
Molecular consequence: missense variant.
Genome position (GRCh38, 1-based): chr2:29,532,057, T>C on the plus strand (A>G on the coding strand, the complement: ALK is on the minus strand). VCF-style: chr2-29532057-T-C. GRCh37 (hg19) VCF-style: chr2-29754923-T-C.
Other names: short protein forms M338V.
Identifiers: ClinVar variation 3285919 (VCV003285919.2).